The following is an entry in ClinVar:

ClinVar aggregate classification (germline): Uncertain significance. Review status: criteria provided, multiple submitters, no conflicts (2 of 4 stars). 3 submissions from 3 submitters: Uncertain significance (3). Last evaluated 2025-12-29.

Conditions:
Hereditary cancer-predisposing syndrome. Also called: Hereditary Cancer Syndrome; Hereditary neoplastic syndrome; Neoplastic Syndromes, Hereditary; Tumor predisposition. Identifiers: Orphanet 140162, MedGen C0027672, MeSH D009386, MONDO:0015356.
Familial adenomatous polyposis 1 (FAP1). Also called: FAMILIAL ADENOMATOUS POLYPOSIS 1, ATTENUATED; POLYPOSIS, ADENOMATOUS INTESTINAL. Identifiers: MedGen C2713442, MONDO:0021056, OMIM 175100. Disease mechanism: loss of function.

Submissions (3):

Center for Genomic Medicine, Rigshospitalet, Copenhagen University Hospital
Classification: Uncertain significance. Last evaluated: 2025-12-29. Review status: criteria provided, single submitter. Criteria: ACMG Guidelines, 2015. Collection method: clinical testing. Allele origin: germline.

Labcorp Genetics (formerly Invitae), Labcorp
Classification: Uncertain significance for Familial adenomatous polyposis 1. Last evaluated: 2024-07-08. Review status: criteria provided, single submitter. Criteria: Invitae Variant Classification Sherloc (09022015). Collection method: clinical testing. Allele origin: germline.
Comment: This sequence change replaces threonine, which is neutral and polar, with alanine, which is neutral and non-polar, at codon 2442 of the APC protein (p.Thr2442Ala). This variant is not present in population databases (gnomAD no frequency). This variant has not been reported in the literature in individuals affected with APC-related conditions. ClinVar contains an entry for this variant (Variation ID: 216177). Advanced modeling of protein sequence and biophysical properties (such as structural, functional, and spatial information, amino acid conservation, physicochemical variation, residue mobility, and thermodynamic stability) performed at Invitae indicates that this missense variant is not expected to disrupt APC protein function with a negative predictive value of 95%. In summary, the available evidence is currently insufficient to determine the role of this variant in disease. Therefore, it has been classified as a Variant of Uncertain Significance.

Ambry Genetics
Classification: Uncertain significance for Hereditary cancer-predisposing syndrome. Last evaluated: 2024-01-09. Review status: criteria provided, single submitter. Criteria: Ambry Variant Classification Scheme 2023. Collection method: clinical testing. Allele origin: germline.
Comment: The p.T2442A variant (also known as c.7324A>G), located in coding exon 15 of the APC gene, results from an A to G substitution at nucleotide position 7324. The threonine at codon 2442 is replaced by alanine, an amino acid with similar properties. This amino acid position is highly conserved in available vertebrate species. In addition, in silico predictors for this gene do not accurately predict pathogenicity. Since supporting evidence is limited at this time, the clinical significance of this alteration remains unclear.

NM_000038.6(APC):c.7324A>G (p.Thr2442Ala)

Gene: APC (APC regulator of Wnt signaling pathway; plus strand). Cytogenetic location: 5q22.2.
Variant type: single nucleotide variant.
Coding change: c.7324A>G on transcript NM_000038.6 (MANE Select); coding-DNA position 7324, A replaced by G.
Protein change: p.Thr2442Ala; replaces threonine 2442 with alanine.
Molecular consequence: missense variant.
Genome position (GRCh38, 1-based): chr5:112,842,918, A>G. VCF-style: chr5-112842918-A-G. GRCh37 (hg19) VCF-style: chr5-112178615-A-G.
Other names: c.7324A>G, p.Thr2442Ala (NM_001127510.3, NM_001354895.2); c.7270A>G, p.Thr2424Ala (NM_001127511.3); c.7378A>G, p.Thr2460Ala (NM_001354896.2); c.7354A>G, p.Thr2452Ala (NM_001354897.2); c.7249A>G, p.Thr2417Ala (NM_001354898.2); c.7240A>G, p.Thr2414Ala (NM_001354899.2); c.7201A>G, p.Thr2401Ala (NM_001354900.2); c.7147A>G, p.Thr2383Ala (NM_001354901.2); and 5 more; short protein forms T2424A, T2442A, T2316A, T2452A, T2351A, T2417A, T2460A, T2282A.
Identifiers: ClinVar variation 216177 (VCV000216177.13), dbSNP rs863224549, ClinGen allele CA336578.